The following is an entry in ClinVar:

ClinVar aggregate classification (germline): Uncertain significance. Review status: criteria provided, multiple submitters, no conflicts (2 of 4 stars). 2 submissions from 2 submitters: Uncertain significance (2). Last evaluated 2025-10-28.

Conditions:
Legius syndrome. Identifiers: Orphanet 137605, MedGen C1969623, MONDO:0012669, OMIM 611431. Disease mechanism: loss of function.
Cardiovascular phenotype. Identifiers: MedGen CN230736.

Allele frequency attached by ClinVar (database versions not stated): gnomAD exomes below 0.00001.
gnomAD v4.1: 1 of 1,612,314 alleles (0.000062%); highest among the groups gnomAD compares: Non-Finnish European, 0.000085%; no homozygotes.

Submissions (2):

Ambry Genetics
Classification: Uncertain significance for Cardiovascular phenotype. Last evaluated: 2025-10-28. Review status: criteria provided, single submitter. Criteria: Ambry Variant Classification Scheme 2023. Collection method: clinical testing. Allele origin: germline.
Comment: The p.C220Y variant (also known as c.659G>A), located in coding exon 6 of the SPRED1 gene, results from a G to A substitution at nucleotide position 659. The cysteine at codon 220 is replaced by tyrosine, an amino acid with highly dissimilar properties. This amino acid position is conserved. In addition, this alteration is predicted to be tolerated by in silico analysis. Based on the available evidence, the clinical significance of this variant remains unclear.

Labcorp Genetics (formerly Invitae), Labcorp
Classification: Uncertain significance for Legius syndrome. Last evaluated: 2020-01-01. Review status: criteria provided, single submitter. Criteria: Invitae Variant Classification Sherloc (09022015). Collection method: clinical testing. Allele origin: germline.
Comment: In summary, the available evidence is currently insufficient to determine the role of this variant in disease. Therefore, it has been classified as a Variant of Uncertain Significance. Algorithms developed to predict the effect of missense changes on protein structure and function are either unavailable or do not agree on the potential impact of this missense change (SIFT: "Deleterious"; PolyPhen-2: "Benign"; Align-GVGD: "Class C0"). This variant has not been reported in the literature in individuals with SPRED1-related conditions. This variant is not present in population databases (ExAC no frequency). This sequence change replaces cysteine with tyrosine at codon 220 of the SPRED1 protein (p.Cys220Tyr). The cysteine residue is moderately conserved and there is a large physicochemical difference between cysteine and tyrosine.

NM_152594.3(SPRED1):c.659G>A (p.Cys220Tyr)

Gene: SPRED1 (sprouty related EVH1 domain containing 1; plus strand). Cytogenetic location: 15q14.
Variant type: single nucleotide variant.
Coding change: c.659G>A on transcript NM_152594.3 (MANE Select); coding-DNA position 659, G replaced by A.
Protein change: p.Cys220Tyr; replaces cysteine 220 with tyrosine.
Molecular consequence: missense variant.
Genome position (GRCh38, 1-based): chr15:38,349,498, G>A. VCF-style: chr15-38349498-G-A. GRCh37 (hg19) VCF-style: chr15-38641699-G-A.
Other names: c.659G>A (NM_152594.2); short protein forms C220Y.
Identifiers: ClinVar variation 1013780 (VCV001013780.11), dbSNP rs1896209096, ClinGen allele CA391932937.